The following is an entry in ClinVar:

NM_025179.4(PLXNA2):c.735C>T (p.Tyr245=)

Gene: PLXNA2 (plexin A2; minus strand). Cytogenetic location: 1q32.2.
Variant type: single nucleotide variant.
Coding change: c.735C>T on transcript NM_025179.4 (MANE Select); coding-DNA position 735, C replaced by T.
Protein change: p.Tyr245=; no amino-acid change (tyrosine 245 retained).
Molecular consequence: synonymous variant.
Genome position (GRCh38, 1-based): chr1:208,217,188, G>A on the plus strand (C>T on the coding strand, the complement: PLXNA2 is on the minus strand). VCF-style: chr1-208217188-G-A. GRCh37 (hg19) VCF-style: chr1-208390533-G-A.
Other names: c.735C>T (NM_025179.3).
Identifiers: ClinVar variation 2177926 (VCV002177926.5), dbSNP rs779978151, ClinGen allele CA1374032.

ClinVar aggregate classification (germline): Likely benign. Review status: criteria provided, single submitter (1 of 4 stars). 2 submissions from 2 submitters: Likely benign (1). 1 of the submissions does not count toward it. Last evaluated 2024-11-23.

Conditions:
PLXNA2-related disorder. Also called: PLXNA2-related condition.

Allele frequency attached by ClinVar (database versions not stated): gnomAD 0.00001; TOPMed 0.00001; ExAC 0.00005.
gnomAD v4.1: 36 of 1,614,062 alleles (0.0022%); highest among the groups gnomAD compares: Middle Eastern, 0.016%; no homozygotes.

Submissions (2):

Labcorp Genetics (formerly Invitae), Labcorp
Classification: Likely benign. Last evaluated: 2024-11-23. Review status: criteria provided, single submitter. Criteria: Invitae Variant Classification Sherloc (09022015). Collection method: clinical testing. Allele origin: germline.

PreventionGenetics, part of Exact Sciences
Classification: Likely benign for PLXNA2-related condition. Last evaluated: 2024-07-05. Review status: no assertion criteria provided. Collection method: clinical testing. Allele origin: germline. Not counted in ClinVar's aggregate classification.
Comment: This variant is classified as likely benign based on ACMG/AMP sequence variant interpretation guidelines (Richards et al. 2015 PMID: 25741868, with internal and published modifications).